The following is an entry in ClinVar:

ClinVar aggregate classification (germline): Conflicting classifications of pathogenicity. Review status: criteria provided, conflicting classifications (1 of 4 stars). 3 submissions from 3 submitters: Likely pathogenic (1); Uncertain significance (2). Last evaluated 2025-07-02.

Conditions:
3-methylcrotonyl-CoA carboxylase 1 deficiency (MCC1D). Also called: MCCD TYPE 1; METHYLCROTONYLGLYCINURIA TYPE I; MCC 1 deficiency; 3 Alpha methylcrotonylglycinuria 1. Identifiers: Orphanet 6, MedGen CN028786, MONDO:0008861, OMIM 210200.

Allele frequency attached by ClinVar (database versions not stated): gnomAD exomes 0.00001; ExAC 0.00002; gnomAD 0.00007; TOPMed 0.00012.

Submissions (3):

Women's Health and Genetics/Laboratory Corporation of America, LabCorp
Classification: Uncertain significance. Last evaluated: 2025-07-02. Review status: criteria provided, single submitter. Criteria: LabCorp Variant Classification Summary - May 2015. Collection method: clinical testing. Allele origin: germline.
Comment: Variant summary: MCCC1 c.1681+2dupT alters a conserved nucleotide located close to a canonical splice site and therefore could affect mRNA splicing, leading to a significantly altered protein sequence. Several computational tools predict a significant impact on normal splicing: However, these predictions have yet to be confirmed by functional studies. The variant allele was found at a frequency of 1.7e-05 in 1583078 control chromosomes. This frequency is not significantly higher than estimated for a pathogenic variant in MCCC1 causing Methylcrotonyl-CoA Carboxylase Deficiency (1.7e-05 vs 0.0042), allowing no conclusion about variant significance. To our knowledge, no occurrence of c.1681+2dupT in individuals affected with Methylcrotonyl-CoA Carboxylase Deficiency and no experimental evidence demonstrating its impact on protein function have been reported. ClinVar contains an entry for this variant (Variation ID: 2141526). Based on the evidence outlined above, the variant was classified as uncertain significance.

Labcorp Genetics (formerly Invitae), Labcorp
Classification: Uncertain significance for 3-methylcrotonyl-CoA carboxylase 1 deficiency. Last evaluated: 2022-10-17. Review status: criteria provided, single submitter. Criteria: Invitae Variant Classification Sherloc (09022015). Collection method: clinical testing. Allele origin: germline.
Comment: This sequence change falls in intron 14 of the MCCC1 gene. It does not directly change the encoded amino acid sequence of the MCCC1 protein. It affects a nucleotide within the consensus splice site. This variant is present in population databases (rs774352286, gnomAD 0.04%). This variant has not been reported in the literature in individuals affected with MCCC1-related conditions. Variants that disrupt the consensus splice site are a relatively common cause of aberrant splicing (PMID: 17576681, 9536098). Algorithms developed to predict the effect of sequence changes on RNA splicing suggest that this variant may disrupt the consensus splice site. In summary, the available evidence is currently insufficient to determine the role of this variant in disease. Therefore, it has been classified as a Variant of Uncertain Significance.

Revvity Omics, Revvity
Classification: Likely pathogenic for 3-methylcrotonyl-CoA carboxylase 1 deficiency. Last evaluated: 2022-04-22. Review status: criteria provided, single submitter. Criteria: ACMG Guidelines, 2015. Collection method: clinical testing. Allele origin: germline.

Literature cited by the submitters: PubMed 17576681 (cited by Labcorp Genetics (formerly Invitae), Labcorp); PubMed 9536098 (cited by Labcorp Genetics (formerly Invitae), Labcorp).

NM_020166.5(MCCC1):c.1681+2dup

Gene: MCCC1 (methylcrotonyl-CoA carboxylase subunit 1; minus strand). Cytogenetic location: 3q27.1.
Variant type: Duplication.
Coding change: c.1681+2dup on transcript NM_020166.5 (MANE Select); the canonical splice donor site of the intron after coding-DNA position 1681, one base duplicated (T; older notation c.1681+2dupT).
Molecular consequence: splice donor variant.
Genome position (GRCh38, 1-based): chr3:183,033,989, A duplicated on the plus strand (T on the coding strand, the reverse complement: MCCC1 is on the minus strand). VCF-style (leftmost placement, unchanged base first): chr3-183033988-T-TA. GRCh37 (hg19) VCF-style: chr3-182751776-T-TA.
Other names: c.1681+2dupT (NM_020166.5); c.1354+2dup (NM_001363880.1); c.1330+2dup (NM_001293273.2).
Identifiers: ClinVar variation 2141526 (VCV002141526.6), dbSNP rs774352286, ClinGen allele CA2718708.